The following is an entry in ClinVar:

NM_001243133.2(NLRP3):c.1090C>T (p.Arg364Trp)

Gene: NLRP3 (NLR family pyrin domain containing 3; plus strand). Cytogenetic location: 1q44.
Variant type: single nucleotide variant.
Coding change: c.1090C>T on transcript NM_001243133.2 (MANE Select); coding-DNA position 1090, C replaced by T.
Protein change: p.Arg364Trp; replaces arginine 364 with tryptophan.
Molecular consequence: missense variant.
Genome position (GRCh38, 1-based): chr1:247,424,539, C>T. VCF-style: chr1-247424539-C-T. GRCh37 (hg19) VCF-style: chr1-247587841-C-T.
Other names: c.1090C>T, p.Arg364Trp (NM_001079821.3, NM_001127461.3, NM_001127462.3 and 1 more transcripts); c.1096C>T, p.Arg366Trp (NM_004895.5); short protein forms R366W, R364W.
Identifiers: ClinVar variation 536881 (VCV000536881.11), dbSNP rs994458759, ClinGen allele CA345556062.

ClinVar aggregate classification (germline): Uncertain significance. Review status: criteria provided, multiple submitters, no conflicts (2 of 4 stars). 2 submissions from 2 submitters: Uncertain significance (2). Last evaluated 2025-04-20.

Conditions:
Familial amyloid nephropathy with urticaria AND deafness (MWS). Also called: UDA SYNDROME; URTICARIA-DEAFNESS-AMYLOIDOSIS SYNDROME; MUCKLE-WELLS SYNDROME; Urticaria, deafness and amyloidosis; CRYOPYRIN-ASSOCIATED PERIODIC SYNDROME 2. Identifiers: Orphanet 575, MedGen C0268390, MONDO:0008633, OMIM 191900.
Hearing loss, autosomal dominant 34, with or without inflammation. Also called: DEAFNESS, AUTOSOMAL DOMINANT 34, WITH OR WITHOUT INFLAMMATION. Identifiers: MedGen C4521680, MONDO:0033261, OMIM 617772.
Keratitis fugax hereditaria. Also called: KERATOENDOTHELIITIS FUGAX HEREDITARIA. Identifiers: Orphanet 647815, MedGen C1835697, MONDO:0007849, OMIM 148200.
Chronic infantile neurological, cutaneous and articular syndrome (CINCA). Also called: CHRONIC NEUROLOGIC CUTANEOUS AND ARTICULAR SYNDROME; CINCA syndrome; Prieur Griscelli syndrome; CRYOPYRIN-ASSOCIATED PERIODIC SYNDROME 3. Identifiers: Orphanet 1451, MedGen C0409818, MONDO:0011776, OMIM 607115.
Familial cold autoinflammatory syndrome 1 (FCAS1). Also called: CRYOPYRIN-ASSOCIATED PERIODIC SYNDROME 1; Familial cold inflammatory syndrome 1. Identifiers: Orphanet 47045, MedGen C4551895, MONDO:0007349, OMIM 120100.
Cryopyrin associated periodic syndrome (CAPS). Identifiers: Orphanet 208650, MedGen C2316212, MONDO:0016168.

gnomAD v4.1: 7 of 1,614,058 alleles (0.00043%); highest among the groups gnomAD compares: South Asian, 0.0011%; no homozygotes.

Submissions (2):

Labcorp Genetics (formerly Invitae), Labcorp
Classification: Uncertain significance for Cryopyrin associated periodic syndrome. Last evaluated: 2025-04-20. Review status: criteria provided, single submitter. Criteria: Invitae Variant Classification Sherloc (09022015). Collection method: clinical testing. Allele origin: germline.
Comment: This sequence change replaces arginine, which is basic and polar, with tryptophan, which is neutral and slightly polar, at codon 366 of the NLRP3 protein (p.Arg366Trp). This variant is present in population databases (no rsID available, gnomAD 0.01%). This variant has not been reported in the literature in individuals affected with NLRP3-related conditions. ClinVar contains an entry for this variant (Variation ID: 536881). Invitae Evidence Modeling of protein sequence and biophysical properties (such as structural, functional, and spatial information, amino acid conservation, physicochemical variation, residue mobility, and thermodynamic stability) has been performed for this missense variant. However, the output from this modeling did not meet the statistical confidence thresholds required to predict the impact of this variant on NLRP3 protein function. In summary, the available evidence is currently insufficient to determine the role of this variant in disease. Therefore, it has been classified as a Variant of Uncertain Significance.

Fulgent Genetics
Classification: Uncertain significance for Familial cold autoinflammatory syndrome 1; Keratitis fugax hereditaria; Familial amyloid nephropathy with urticaria AND deafness; Chronic infantile neurological, cutaneous and articular syndrome; Hearing loss, autosomal dominant 34, with or without inflammation. Last evaluated: 2021-12-14. Review status: criteria provided, single submitter. Criteria: ACMG Guidelines, 2015. Collection method: clinical testing. Allele origin: unknown.